The following is an entry in ClinVar:

NM_002880.4(RAF1):c.607G>A (p.Asp203Asn)

Gene: RAF1 (Raf-1 proto-oncogene, serine/threonine kinase; minus strand). Cytogenetic location: 3p25.2.
Variant type: single nucleotide variant.
Coding change: c.607G>A on transcript NM_002880.4 (MANE Select); coding-DNA position 607, G replaced by A.
Protein change: p.Asp203Asn; replaces aspartic acid 203 with asparagine.
Molecular consequence: missense variant. On other transcripts: non-coding transcript variant (3), intron variant (2).
Genome position (GRCh38, 1-based): chr3:12,606,274, C>T on the plus strand (G>A on the coding strand, the complement: RAF1 is on the minus strand). VCF-style: chr3-12606274-C-T. GRCh37 (hg19) VCF-style: chr3-12647773-C-T.
Other names: c.364G>A, p.Asp122Asn (NM_001354692.3, NM_001354694.3, NM_001354691.3); c.339-1985G>A (NM_001354695.3); c.582-1985G>A (NM_001354693.3); c.607G>A, p.Asp203Asn (NM_001354689.3, NM_001354690.3); short protein forms D122N, D203N.
Identifiers: ClinVar variation 4292499 (VCV004292499.1).

ClinVar aggregate classification (germline): Uncertain significance (1 of 4 stars; one submission).

Conditions:
Noonan syndrome 5 (NS5). Also called: RAF1-Related Noonan Syndrome. Identifiers: Orphanet 648, MedGen C1969057, MONDO:0012690, OMIM 611553. Disease mechanism: gain of function.

Submission:

3billion
Classification: Uncertain significance for Noonan syndrome 5. Last evaluated: 2024-11-26. Review status: criteria provided, single submitter. Criteria: ACMG Guidelines, 2015. Collection method: clinical testing. Allele origin: germline. Affected: yes.
Comment: The variant is not observed in the gnomAD v4.1.0 dataset. Predicted Consequence/Location: Missense variant. Missense changes are a common disease-causing mechanism. In silico tool predictions suggest damaging effect of the variant on gene or gene product [3Cnet: 0.99 (>=0.6, sensitivity 0.72 and precision 0.9)]. Different missense changes at the same codon have been reported as of uncertain significance (ClinVar ID: VCV002751406). Therefore, this variant is classified as VUS according to the recommendation of ACMG/AMP guideline.